The following is an entry in ClinVar:

NM_005321.3(H1-4):c.572C>G (p.Ala191Gly)

Gene: H1-4 (H1.4 linker histone, cluster member; plus strand). Cytogenetic location: 6p22.2.
Variant type: single nucleotide variant.
Coding change: c.572C>G on transcript NM_005321.3 (MANE Select); coding-DNA position 572, C replaced by G.
Protein change: p.Ala191Gly; replaces alanine 191 with glycine.
Molecular consequence: missense variant.
Genome position (GRCh38, 1-based): chr6:26,156,962, C>G. VCF-style: chr6-26156962-C-G. GRCh37 (hg19) VCF-style: chr6-26157190-C-G.
Other names: short protein forms A191G.
Identifiers: ClinVar variation 4993785 (VCV004993785.1).
Genomic context (GRCh38, chr6:26,156,962, plus strand): 5'-AAAGCCCGAAAAAGGCGAAAGCAGCCAAGCCAAAAAAGGCGCCCAAGAGCCCAGCGAAGG[C>G]CAAAGCAGTTAAACCCAAGGCGGCTAAACCAAAGACCGCCAAGCCCAAGGCAGCCAAGCC-3'
Protein context (NP_005312.1, residues 181-201): PKKAPKSPAK[Ala191Gly]KAVKPKAAKP

ClinVar aggregate classification (germline): Uncertain significance (1 of 4 stars; one submission).

Conditions:
H1-4-related disorder. Also called: H1-4-related condition.

Submission:

PreventionGenetics, part of Exact Sciences
Classification: Uncertain significance for H1-4-related condition. Last evaluated: 2026-09-25. Review status: criteria provided, single submitter. Criteria: ACMG Guidelines, 2015. Collection method: clinical testing. Allele origin: germline.
Comment: The H1-4 c.572C>G variant is predicted to result in the amino acid substitution p.Ala191Gly. To our knowledge, this variant has not been reported in the literature or in a large population database (gnomAD), indicating this variant is rare. At this time, the clinical significance of this variant is uncertain due to the absence of conclusive functional and genetic evidence.